The following is an entry in ClinVar:

NM_000179.3(MSH6):c.2714T>G (p.Leu905Trp)

Gene: MSH6 (mutS homolog 6; plus strand). Cytogenetic location: 2p16.3.
Variant type: single nucleotide variant.
Coding change: c.2714T>G on transcript NM_000179.3 (MANE Select); coding-DNA position 2714, T replaced by G.
Protein change: p.Leu905Trp; replaces leucine 905 with tryptophan.
Molecular consequence: missense variant.
Genome position (GRCh38, 1-based): chr2:47,800,697, T>G. VCF-style: chr2-47800697-T-G. GRCh37 (hg19) VCF-style: chr2-48027836-T-G.
Other names: c.2714T>G, p.Leu905Trp (NM_001406808.1, NM_001406809.1, NM_001406796.1 and 2 more transcripts); c.1808T>G, p.Leu603Trp (NM_001406811.1, NM_001406812.1, NM_001406814.1 and 6 more transcripts); c.2720T>G, p.Leu907Trp (NM_001406813.1); c.2417T>G, p.Leu806Trp (NM_001406818.1, NM_001406819.1, NM_001406797.1 and 10 more transcripts); c.2324T>G, p.Leu775Trp (NM_001281492.2); c.2810T>G, p.Leu937Trp (NM_001406795.1, NM_001406802.1); c.2189T>G, p.Leu730Trp (NM_001406799.1, NM_001406806.1, NM_001406807.1); c.2636T>G, p.Leu879Trp (NM_001406804.1); and 2 more; short protein forms L603W, L730W, L806W, L849W, L907W, L775W, L879W, L220W.
Identifiers: ClinVar variation 1999730 (VCV001999730.4), dbSNP rs587779245, ClinGen allele CA346755344.
Genomic context (GRCh38, chr2:47,800,697, plus strand): 5'-AAATCCTTAAGCAGGTCATCTCTCTGCAGACAAAAAATCCTGAAGGTCGTTTTCCTGATT[T>G]GACTGTAGAATTGAACCGATGGGATACAGCCTTTGACCATGAAAAGGCTCGAAAGACTGG-3'
Protein context (NP_000170.1, residues 895-915): TKNPEGRFPD[Leu905Trp]TVELNRWDTA

ClinVar aggregate classification (germline): Uncertain significance (1 of 4 stars; one submission).

Conditions:
Hereditary nonpolyposis colorectal neoplasms. Identifiers: MedGen C0009405, MeSH D003123.

Submission:

Labcorp Genetics (formerly Invitae), Labcorp
Classification: Uncertain significance for Hereditary nonpolyposis colorectal neoplasms. Last evaluated: 2022-05-27. Review status: criteria provided, single submitter. Criteria: Invitae Variant Classification Sherloc (09022015). Collection method: clinical testing. Allele origin: germline.
Comment: In summary, the available evidence is currently insufficient to determine the role of this variant in disease. Therefore, it has been classified as a Variant of Uncertain Significance. Advanced modeling of protein sequence and biophysical properties (such as structural, functional, and spatial information, amino acid conservation, physicochemical variation, residue mobility, and thermodynamic stability) performed at Invitae indicates that this missense variant is expected to disrupt MSH6 protein function. This variant has not been reported in the literature in individuals affected with MSH6-related conditions. This variant is not present in population databases (gnomAD no frequency). This sequence change replaces leucine, which is neutral and non-polar, with tryptophan, which is neutral and slightly polar, at codon 905 of the MSH6 protein (p.Leu905Trp).